The following is an entry in ClinVar:

ClinVar aggregate classification (germline): Pathogenic. Review status: criteria provided, multiple submitters, no conflicts (2 of 4 stars). 3 submissions from 2 submitters: Pathogenic (2). 1 of the submissions does not count toward it. Last evaluated 2021-12-30.

Conditions:
CACNA1F-related disorder. Also called: CACNA1F-related condition.
Amblyopia. Identifiers: MedGen C0002418, MONDO:0001020, HP:0000646.
Myopia. Also called: Myopia (disease). Identifiers: MedGen C0027092, MONDO:0001384, HP:0000545.
Congenital stationary night blindness 2A (CSNB2A). Also called: CSNB, INCOMPLETE, X-LINKED; Night blindness, congenital stationary (incomplete), 2A, X-linked; CACNA1F-Related X-Linked Congenital Stationary Night Blindness; NIGHT BLINDNESS, CONGENITAL STATIONARY, TYPE 2. Identifiers: Orphanet 215, MedGen C1848172, MONDO:0010241, OMIM 300071.

Submissions (3):

Blueprint Genetics
Classification: Pathogenic for CACNA1F-related disorders. Last evaluated: 2021-12-30. Review status: criteria provided, single submitter. Criteria: ACMG Guidelines, 2015. Collection method: clinical testing. Allele origin: germline. Affected: yes. Observed: 2 variant alleles.

Centre for Mendelian Genomics, University Medical Centre Ljubljana
Classification: Pathogenic for Congenital stationary night blindness 2A. Last evaluated: 2016-01-01. Review status: criteria provided, single submitter. Criteria: ACMG Guidelines, 2015. Collection method: clinical testing. Allele origin: unknown. Inheritance: X-linked recessive inheritance. Affected: yes.
Comment: This variant was classified as: Pathogenic. This variant was detected in hemizygous state. The following ACMG criteria were used in classification PVS1, PM2, PM3_MOD.

Centre for Mendelian Genomics, University Medical Centre Ljubljana
Classification: Likely pathogenic for Amblyopia; Myopia. Last evaluated: 2016-01-11. Review status: no assertion criteria provided. Collection method: clinical testing. Allele origin: unknown. Affected: yes. Not counted in ClinVar's aggregate classification.

NM_001256789.3(CACNA1F):c.694A>T (p.Lys232Ter)

Gene: CACNA1F (calcium voltage-gated channel subunit alpha1 F; minus strand). Cytogenetic location: Xp11.23.
Variant type: single nucleotide variant.
Coding change: c.694A>T on transcript NM_001256789.3 (MANE Select); coding-DNA position 694, A replaced by T.
Protein change: p.Lys232Ter; replaces lysine 232 with a stop codon.
Molecular consequence: nonsense.
Genome position (GRCh38, 1-based): chrX:49,230,343, T>A on the plus strand (A>T on the coding strand, the complement: CACNA1F is on the minus strand). VCF-style: chrX-49230343-T-A. GRCh37 (hg19) VCF-style: chrX-49086805-T-A.
Other names: c.499A>T, p.Lys167Ter (NM_001256790.3); c.694A>T, p.Lys232Ter (NM_005183.4); short protein forms K232*, K167*.
Identifiers: ClinVar variation 374004 (VCV000374004.6), dbSNP rs1057518829, ClinGen allele CA16043594.
Genomic context (GRCh38, chrX:49,230,343, plus strand): 5'-CATAAATGATGATGACGAAGAGCACGAGCAGTGCAATGTGCAGCAGCGGCACCAGAGCCT[T>A]CATGATGGAATTGAGCACTATGTGCAGGCCTGCGGGGAGGGAGGGGGAGGCAGAAATAAG-3'